The following is an entry in ClinVar:

NM_000264.5(PTCH1):c.3979A>T (p.Thr1327Ser)

Gene: PTCH1 (patched 1; minus strand). Cytogenetic location: 9q22.32.
Variant type: single nucleotide variant.
Coding change: c.3979A>T on transcript NM_000264.5 (MANE Select); coding-DNA position 3979, A replaced by T.
Protein change: p.Thr1327Ser; replaces threonine 1327 with serine.
Molecular consequence: missense variant. On other transcripts: non-coding transcript variant (1).
Genome position (GRCh38, 1-based): chr9:95,447,277, T>A on the plus strand (A>T on the coding strand, the complement: PTCH1 is on the minus strand). VCF-style: chr9-95447277-T-A. GRCh37 (hg19) VCF-style: chr9-98209559-T-A.
Other names: c.3781A>T, p.Thr1261Ser (NM_001083602.3); c.3976A>T, p.Thr1326Ser (NM_001083603.3); c.3526A>T, p.Thr1176Ser (NM_001083604.3, NM_001083605.3, NM_001083606.3 and 1 more transcripts); c.3823A>T, p.Thr1275Ser (NM_001354918.2); short protein forms T1176S, T1261S, T1275S, T1326S, T1327S.
Identifiers: ClinVar variation 3939997 (VCV003939997.1).

ClinVar aggregate classification (germline): Uncertain significance (1 of 4 stars; one submission).

Conditions:
Hereditary cancer-predisposing syndrome. Also called: Tumor predisposition; Hereditary neoplastic syndrome; Hereditary Cancer Syndrome; Neoplastic Syndromes, Hereditary. Identifiers: Orphanet 140162, MedGen C0027672, MeSH D009386, MONDO:0015356.

Submission:

Ambry Genetics
Classification: Uncertain significance for Hereditary cancer-predisposing syndrome. Last evaluated: 2025-06-14. Review status: criteria provided, single submitter. Criteria: Ambry Variant Classification Scheme 2023. Collection method: clinical testing. Allele origin: germline.
Comment: The p.T1327S variant (also known as c.3979A>T), located in coding exon 23 of the PTCH1 gene, results from an A to T substitution at nucleotide position 3979. The threonine at codon 1327 is replaced by serine, an amino acid with similar properties. This amino acid position is conserved. In addition, the in silico prediction for this alteration is inconclusive. Based on the available evidence, the clinical significance of this variant remains unclear.